The following is an entry in ClinVar:

NM_005120.3(MED12):c.5135G>A (p.Arg1712Gln)

Gene: MED12 (mediator complex subunit 12; plus strand). Cytogenetic location: Xq13.1.
Variant type: single nucleotide variant.
Coding change: c.5135G>A on transcript NM_005120.3 (MANE Select); coding-DNA position 5135, G replaced by A.
Protein change: p.Arg1712Gln; replaces arginine 1712 with glutamine.
Molecular consequence: missense variant.
Genome position (GRCh38, 1-based): chrX:71,136,390, G>A. VCF-style: chrX-71136390-G-A. GRCh37 (hg19) VCF-style: chrX-70356240-G-A.
Other names: p.Arg1712Gln; c.5135G>A (NM_005120.2); short protein forms R1712Q.
Identifiers: ClinVar variation 1491946 (VCV001491946.11), dbSNP rs1196582695, ClinGen allele CA413534115.

ClinVar aggregate classification (germline): Uncertain significance. Review status: criteria provided, multiple submitters, no conflicts (2 of 4 stars). 5 submissions from 5 submitters: Uncertain significance (5). Last evaluated 2026-03-04.

Conditions:
FG syndrome (FGS). Identifiers: MedGen C0220769, MONDO:0002010.
MED12-Related Disorders. Also called: MED12-related condition; MED12-related disorder. Identifiers: MedGen CN381102.
Familial thoracic aortic aneurysm and aortic dissection (TAAD). Also called: Thoracic aortic aneurysms and dissections. Identifiers: Orphanet 91387, MedGen C4707243, MONDO:0019625.

Allele frequency attached by ClinVar (database versions not stated): gnomAD exomes below 0.00001 and 0.00001; gnomAD 0.00004; TOPMed 0.00006.

Submissions (5):

PreventionGenetics, part of Exact Sciences
Classification: Uncertain significance for MED12-related condition. Last evaluated: 2026-03-04. Review status: criteria provided, single submitter. Criteria: ACMG Guidelines, 2015. Collection method: clinical testing. Allele origin: germline.
Comment: The MED12 c.5135G>A variant is predicted to result in the amino acid substitution p.Arg1712Gln. To our knowledge, this variant has not been reported in the literature. This variant has been reported in 1 hemizygous individual within the ‘other’ subpopulation in gnomAD. At this time, the clinical significance of this variant is uncertain due to the absence of conclusive functional and genetic evidence.

Labcorp Genetics (formerly Invitae), Labcorp
Classification: Uncertain significance for FG syndrome. Last evaluated: 2025-11-14. Review status: criteria provided, single submitter. Criteria: Invitae Variant Classification Sherloc (09022015). Collection method: clinical testing. Allele origin: germline.
Comment: This sequence change replaces arginine, which is basic and polar, with glutamine, which is neutral and polar, at codon 1712 of the MED12 protein (p.Arg1712Gln). This variant is present in population databases (no rsID available, gnomAD no frequency), including at least one homozygous and/or hemizygous individual. This variant has not been reported in the literature in individuals affected with MED12-related conditions. ClinVar contains an entry for this variant (Variation ID: 1491946). Invitae Evidence Modeling of protein sequence and biophysical properties (such as structural, functional, and spatial information, amino acid conservation, physicochemical variation, residue mobility, and thermodynamic stability) indicates that this missense variant is expected to disrupt MED12 protein function with a positive predictive value of 95%. In summary, the available evidence is currently insufficient to determine the role of this variant in disease. Therefore, it has been classified as a Variant of Uncertain Significance.

Mayo Clinic Laboratories, Mayo Clinic
Classification: Uncertain significance. Last evaluated: 2024-08-22. Review status: criteria provided, single submitter. Criteria: ACMG Guidelines, 2015. Collection method: clinical testing. Allele origin: germline. Observed: 1 variant allele.
Comment: PM2

Greenwood Genetic Center Diagnostic Laboratories, Greenwood Genetic Center
Classification: Uncertain significance. Last evaluated: 2024-05-01. Review status: criteria provided, single submitter. Criteria: ACMG Guidelines, 2015. Collection method: clinical testing. Allele origin: germline. Affected: yes.
Comment: the same text as in the submission from Mayo Clinic Laboratories, Mayo Clinic above.

Ambry Genetics
Classification: Uncertain significance for Familial thoracic aortic aneurysm and aortic dissection. Last evaluated: 2024-04-23. Review status: criteria provided, single submitter. Criteria: Ambry Variant Classification Scheme 2023. Collection method: clinical testing. Allele origin: germline.